The following is an entry in ClinVar:

NM_000540.3(RYR1):c.7774G>A (p.Gly2592Ser)

Gene: RYR1 (ryanodine receptor 1; plus strand). Cytogenetic location: 19q13.2.
Variant type: single nucleotide variant.
Coding change: c.7774G>A on transcript NM_000540.3 (MANE Select); coding-DNA position 7774, G replaced by A.
Protein change: p.Gly2592Ser; replaces glycine 2592 with serine.
Molecular consequence: missense variant.
Genome position (GRCh38, 1-based): chr19:38,502,666, G>A. VCF-style: chr19-38502666-G-A. GRCh37 (hg19) VCF-style: chr19-38993306-G-A.
Other names: c.7774G>A, p.Gly2592Ser (NM_001042723.2); short protein forms G2592S.
Identifiers: ClinVar variation 3070302 (VCV003070302.2), dbSNP rs1476768502, ClinGen allele CA405672051.

ClinVar aggregate classification (germline): Uncertain significance. Review status: criteria provided, multiple submitters, no conflicts (2 of 4 stars). 2 submissions from 2 submitters: Uncertain significance (2). Last evaluated 2024-04-06.

Conditions:
Malignant hyperthermia, susceptibility to, 1 (MHS1). Also called: RYR1-Related Malignant Hyperthermia Susceptibility; Anesthesia related hyperthermia; Malignant hyperpyrexia; Fulminating hyperpyrexia; Pharmacogenic myopathy; Malignant hyperthermia suceptibility 1. Identifiers: Orphanet 423, MedGen C2930980, MONDO:0007783, OMIM 145600.

gnomAD v4.1: 7 of 1,610,938 alleles (0.00043%); highest among the groups gnomAD compares: Non-Finnish European, 0.00051%; no homozygotes.

Submissions (2):

GeneDx
Classification: Uncertain significance. Last evaluated: 2024-04-06. Review status: criteria provided, single submitter. Criteria: GeneDx Variant Classification Process June 2021. Collection method: clinical testing. Allele origin: germline. Affected: yes.
Comment: Not observed at significant frequency in large population cohorts (gnomAD); In silico analysis supports that this missense variant has a deleterious effect on protein structure/function; Has not been previously published as pathogenic or benign to our knowledge

All of Us Research Program, National Institutes of Health
Classification: Uncertain significance for Malignant hyperthermia, susceptibility to, 1. Last evaluated: 2023-04-28. Review status: criteria provided, single submitter. Criteria: ACMG Guidelines, 2015. Collection method: clinical testing. Allele origin: germline. Inheritance: Autosomal dominant inheritance. Observed: 2 variant alleles, 2 heterozygotes.
Comment: This missense variant replaces glycine with serine at codon 2592 of the RYR1 protein. Computational prediction is inconclusive regarding the impact of this variant on protein structure and function (internally defined REVEL score threshold 0.5 < inconclusive < 0.7, PMID: 27666373). To our knowledge, functional studies have not been reported for this variant. This variant has not been reported in individuals affected with RYR1-related disorders in the literature. This variant has been identified in 1/249832 chromosomes in the general population by the Genome Aggregation Database (gnomAD). The available evidence is insufficient to determine the role of this variant in disease conclusively. Therefore, this variant is classified as a Variant of Uncertain Significance.

This study involves interpretation of variants in research participants for the purpose of population health screening. Participant phenotype was not available at the time of variant classification. Additional details can be found in publication PMID: 35346344, PMCID: PMC8962531